The following is an entry in ClinVar:

NM_003803.4(MYOM1):c.2657G>C (p.Ser886Thr)

Gene: MYOM1 (myomesin 1; minus strand). Cytogenetic location: 18p11.31.
Variant type: single nucleotide variant.
Coding change: c.2657G>C on transcript NM_003803.4 (MANE Select); coding-DNA position 2657, G replaced by C.
Protein change: p.Ser886Thr; replaces serine 886 with threonine.
Molecular consequence: missense variant. On other transcripts: intron variant (1).
Genome position (GRCh38, 1-based): chr18:3,129,369, C>G on the plus strand (G>C on the coding strand, the complement: MYOM1 is on the minus strand). VCF-style: chr18-3129369-C-G. GRCh37 (hg19) VCF-style: chr18-3129367-C-G.
Other names: c.2506+2006G>C (NM_019856.2); short protein forms S886T.
Identifiers: ClinVar variation 3701449 (VCV003701449.2).

ClinVar aggregate classification (germline): Uncertain significance (1 of 4 stars; one submission).

Conditions:
Hypertrophic cardiomyopathy. Also called: HYPERTROPHIC MYOCARDIOPATHY. Identifiers: Orphanet 217569, MedGen C0007194, MeSH D002312, MONDO:0005045, HP:0001639.

gnomAD v4.1: 28 of 1,613,832 alleles (0.0017%); highest among the groups gnomAD compares: Non-Finnish European, 0.0024%; no homozygotes.

Submission:

Labcorp Genetics (formerly Invitae), Labcorp
Classification: Uncertain significance for Hypertrophic cardiomyopathy. Last evaluated: 2024-11-26. Review status: criteria provided, single submitter. Criteria: Invitae Variant Classification Sherloc (09022015). Collection method: clinical testing. Allele origin: germline.
Comment: This sequence change replaces serine, which is neutral and polar, with threonine, which is neutral and polar, at codon 886 of the MYOM1 protein (p.Ser886Thr). This variant is present in population databases (rs763220943, gnomAD 0.0009%). This variant has not been reported in the literature in individuals affected with MYOM1-related conditions. An algorithm developed to predict the effect of missense changes on protein structure and function (PolyPhen-2) suggests that this variant is likely to be tolerated. In summary, the available evidence is currently insufficient to determine the role of this variant in disease. Therefore, it has been classified as a Variant of Uncertain Significance.